The following is an entry in ClinVar:

ClinVar aggregate classification (germline): Uncertain significance. Review status: criteria provided, multiple submitters, no conflicts (2 of 4 stars). 3 submissions from 3 submitters: Uncertain significance (3). Last evaluated 2026-04-09.

Conditions:
Inborn genetic diseases. Identifiers: MedGen C0950123, MeSH D030342.
SLC4A11-related disorder. Also called: SLC4A11-related condition.

Allele frequency attached by ClinVar (database versions not stated): gnomAD 0.00001; gnomAD exomes 0.00001; TOPMed 0.00002; ExAC 0.00006.
gnomAD v4.1: 18 of 1,613,594 alleles (0.0011%); highest among the groups gnomAD compares: Admixed American, 0.017%; no homozygotes.

Submissions (3):

PreventionGenetics, part of Exact Sciences
Classification: Uncertain significance for SLC4A11-related condition. Last evaluated: 2026-04-09. Review status: criteria provided, single submitter. Criteria: ACMG Guidelines, 2015. Collection method: clinical testing. Allele origin: germline.
Comment: The SLC4A11 c.707G>A variant is predicted to result in the amino acid substitution p.Arg236His. To our knowledge, this variant has not been reported in the literature. This variant is reported in 0.017% of alleles in individuals of Latino descent in gnomAD. At this time, the clinical significance of this variant is uncertain due to the absence of conclusive functional and genetic evidence.

Labcorp Genetics (formerly Invitae), Labcorp
Classification: Uncertain significance. Last evaluated: 2021-12-23. Review status: criteria provided, single submitter. Criteria: Invitae Variant Classification Sherloc (09022015). Collection method: clinical testing. Allele origin: germline.
Comment: This sequence change replaces arginine, which is basic and polar, with histidine, which is basic and polar, at codon 236 of the SLC4A11 protein (p.Arg236His). This variant is present in population databases (rs776178046, gnomAD 0.02%). This variant has not been reported in the literature in individuals affected with SLC4A11-related conditions. Algorithms developed to predict the effect of missense changes on protein structure and function are either unavailable or do not agree on the potential impact of this missense change (SIFT: "Tolerated"; PolyPhen-2: "Probably Damaging"; Align-GVGD: "Class C0"). In summary, the available evidence is currently insufficient to determine the role of this variant in disease. Therefore, it has been classified as a Variant of Uncertain Significance.

Ambry Genetics
Classification: Uncertain significance for Inborn genetic diseases. Last evaluated: 2021-08-12. Review status: criteria provided, single submitter. Criteria: Ambry Variant Classification Scheme 2023. Collection method: clinical testing. Allele origin: germline.

NM_001174089.2(SLC4A11):c.659G>A (p.Arg220His)

Gene: SLC4A11 (solute carrier family 4 member 11; minus strand). Cytogenetic location: 20p13.
Variant type: single nucleotide variant.
Coding change: c.659G>A on transcript NM_001174089.2 (MANE Select); coding-DNA position 659, G replaced by A.
Protein change: p.Arg220His; replaces arginine 220 with histidine.
Molecular consequence: missense variant. On other transcripts: non-coding transcript variant (3).
Genome position (GRCh38, 1-based): chr20:3,233,584, C>T on the plus strand (G>A on the coding strand, the complement: SLC4A11 is on the minus strand). VCF-style: chr20-3233584-C-T. GRCh37 (hg19) VCF-style: chr20-3214230-C-T.
Other names: c.707G>A (NM_032034.3); c.788G>A, p.Arg263His (NM_001174090.2, NM_001400280.1); c.659G>A, p.Arg220His (NM_001363745.2); c.602G>A, p.Arg201His (NM_001400277.1, NM_001400278.1, NM_001400279.1); c.707G>A, p.Arg236His (NM_032034.4); short protein forms R201H, R220H, R236H, R263H.
Identifiers: ClinVar variation 2155523 (VCV002155523.3), dbSNP rs776178046, ClinGen allele CA9742178.